The following is an entry in ClinVar:

ClinVar aggregate classification (germline): Likely benign. Review status: criteria provided, multiple submitters, no conflicts (2 of 4 stars). 4 submissions from 4 submitters: Likely benign (4). Last evaluated 2026-04-17.

Conditions:
Nephronophthisis 14 (NPHP14). Identifiers: Orphanet 2318, MedGen C3539071, MONDO:0013916, OMIM 614844.
ZNF423-related disorder. Also called: ZNF423-related condition.

Allele frequency attached by ClinVar (database versions not stated): gnomAD 0.00002 and 0.00003; TOPMed 0.00003; 1000 Genomes Project 30x 0.00016; 1000 Genomes Project 0.00020.
gnomAD v4.1: 48 of 1,594,754 alleles (0.003%); highest among the groups gnomAD compares: Admixed American, 0.018%; no homozygotes.

Submissions (4):

PreventionGenetics, part of Exact Sciences
Classification: Likely benign for ZNF423-related condition. Last evaluated: 2026-04-17. Review status: criteria provided, single submitter. Criteria: ACMG Guidelines, 2015. Collection method: clinical testing. Allele origin: germline.
Comment: This variant is classified as likely benign based on ACMG/AMP sequence variant interpretation guidelines (Richards et al. 2015 PMID: 25741868, with internal and published modifications).

Ambry Genetics
Classification: Likely benign. Last evaluated: 2025-08-26. Review status: criteria provided, single submitter. Criteria: Ambry Variant Classification Scheme 2023. Collection method: clinical testing. Allele origin: germline.

Labcorp Genetics (formerly Invitae), Labcorp
Classification: Likely benign for Nephronophthisis 14. Last evaluated: 2025-03-13. Review status: criteria provided, single submitter. Criteria: Invitae Variant Classification Sherloc (09022015). Collection method: clinical testing. Allele origin: germline.

Blueprint Genetics
Classification: Likely benign. Last evaluated: 2024-06-26. Review status: criteria provided, single submitter. Criteria: ACMG Guidelines, 2015. Collection method: clinical testing. Allele origin: germline.

NM_001379286.1(ZNF423):c.3321C>T (p.Ser1107=)

Gene: ZNF423 (zinc finger protein 423; minus strand). Cytogenetic location: 16q12.1.
Variant type: single nucleotide variant.
Coding change: c.3321C>T on transcript NM_001379286.1 (MANE Select); coding-DNA position 3321, C replaced by T.
Protein change: p.Ser1107=; no amino-acid change (serine 1107 retained).
Molecular consequence: synonymous variant.
Genome position (GRCh38, 1-based): chr16:49,635,855, G>A on the plus strand (C>T on the coding strand, the complement: ZNF423 is on the minus strand). VCF-style: chr16-49635855-G-A. GRCh37 (hg19) VCF-style: chr16-49669766-G-A.
Other names: c.3117C>T, p.Ser1039= (NM_001271620.2); c.2946C>T, p.Ser982= (NM_001330533.2); c.3297C>T, p.Ser1099= (NM_015069.5); c.3297C>T (NM_015069.2, NM_015069.4).
Identifiers: ClinVar variation 1596921 (VCV001596921.11), dbSNP rs545010534, ClinGen allele CA8046336.